The following is an entry in ClinVar:

ClinVar aggregate classification (germline): Uncertain significance (1 of 4 stars; one submission).

Conditions:
Weaver syndrome (WVS). Also called: Weaver Smith syndrome; Overgrowth syndrome with accelerated skeletal maturation, unusual facies, and camptodactyly. Identifiers: Orphanet 3447, MedGen C0265210, MONDO:0010193, OMIM 277590.

Submission:

Labcorp Genetics (formerly Invitae), Labcorp
Classification: Uncertain significance for Weaver syndrome. Last evaluated: 2022-08-05. Review status: criteria provided, single submitter. Criteria: Invitae Variant Classification Sherloc (09022015). Collection method: clinical testing. Allele origin: germline.
Comment: This sequence change replaces asparagine, which is neutral and polar, with aspartic acid, which is acidic and polar, at codon 676 of the EZH2 protein (p.Asn676Asp). This variant is not present in population databases (gnomAD no frequency). This variant has not been reported in the literature in individuals affected with EZH2-related conditions. Advanced modeling of protein sequence and biophysical properties (such as structural, functional, and spatial information, amino acid conservation, physicochemical variation, residue mobility, and thermodynamic stability) performed at Invitae indicates that this missense variant is expected to disrupt EZH2 protein function. In summary, the available evidence is currently insufficient to determine the role of this variant in disease. Therefore, it has been classified as a Variant of Uncertain Significance.

NM_004456.5(EZH2):c.2026A>G (p.Asn676Asp)

Gene: EZH2 (enhancer of zeste 2 polycomb repressive complex 2 subunit; minus strand). Cytogenetic location: 7q36.1.
Variant type: single nucleotide variant.
Coding change: c.2026A>G on transcript NM_004456.5 (MANE Select); coding-DNA position 2026, A replaced by G.
Protein change: p.Asn676Asp; replaces asparagine 676 with aspartic acid.
Molecular consequence: missense variant.
Genome position (GRCh38, 1-based): chr7:148,810,336, T>C on the plus strand (A>G on the coding strand, the complement: EZH2 is on the minus strand). VCF-style: chr7-148810336-T-C. GRCh37 (hg19) VCF-style: chr7-148507428-T-C.
Other names: c.2011A>G, p.Asn671Asp (NM_001203247.2); c.1984A>G, p.Asn662Asp (NM_001203248.2); c.1858A>G, p.Asn620Asp (NM_001203249.2); c.1894A>G, p.Asn632Asp (NM_152998.3); short protein forms N620D, N632D, N671D, N676D, N662D.
Identifiers: ClinVar variation 1988734 (VCV001988734.4), dbSNP rs2536334057, ClinGen allele CA369712496.
Genomic context (GRCh38, chr7:148,810,336, plus strand): 5'-GCAGAAGGCTGCCACATGCAACTCAGGAACTCACTGCCTCCCAGCTCTGAAACATACCAT[T>C]GTTCAAGTTGAACAGAAAGCTGCACATGTATTTATCATACACTTTCCCTCTTCTGTCAGC-3'
Protein context (NP_004447.2, residues 666-686): YMCSFLFNLN[Asn676Asp]DFVVDATRKG